The following is an entry in ClinVar:

ClinVar aggregate classification (germline): Uncertain significance (1 of 4 stars; one submission).

Conditions:
Charcot-Marie-Tooth disease axonal type 2O. Also called: CHARCOT-MARIE-TOOTH NEUROPATHY, AXONAL, TYPE 2O; CHARCOT-MARIE-TOOTH DISEASE, AXONAL, AUTOSOMAL DOMINANT, TYPE 2O; Charcot-Marie-Tooth Neuropathy Type 2O; Charcot-Marie-Tooth disease, axonal, type 20. Identifiers: Orphanet 284232, MedGen C3280220, MONDO:0013644, OMIM 614228.

gnomAD v4.1: 2 of 1,614,100 alleles (0.00012%); highest among the groups gnomAD compares: Non-Finnish European, 0.00017%; no homozygotes.

Submission:

Labcorp Genetics (formerly Invitae), Labcorp
Classification: Uncertain significance for Charcot-Marie-Tooth disease axonal type 2O. Last evaluated: 2021-03-11. Review status: criteria provided, single submitter. Criteria: Invitae Variant Classification Sherloc (09022015). Collection method: clinical testing. Allele origin: germline.
Comment: This sequence change replaces serine with tryptophan at codon 875 of the DYNC1H1 protein (p.Ser875Trp). The serine residue is moderately conserved and there is a large physicochemical difference between serine and tryptophan. This variant is not present in population databases (ExAC no frequency). This variant has not been reported in the literature in individuals with DYNC1H1-related conditions. Advanced modeling of protein sequence and biophysical properties (such as structural, functional, and spatial information, amino acid conservation, physicochemical variation, residue mobility, and thermodynamic stability) performed at Invitae indicates that this missense variant is not expected to disrupt DYNC1H1 protein function. In summary, the available evidence is currently insufficient to determine the role of this variant in disease. Therefore, it has been classified as a Variant of Uncertain Significance.

NM_001376.5(DYNC1H1):c.2624C>G (p.Ser875Trp)

Gene: DYNC1H1 (dynein cytoplasmic 1 heavy chain 1; plus strand). Cytogenetic location: 14q32.31.
Variant type: single nucleotide variant.
Coding change: c.2624C>G on transcript NM_001376.5 (MANE Select); coding-DNA position 2624, C replaced by G.
Protein change: p.Ser875Trp; replaces serine 875 with tryptophan.
Molecular consequence: missense variant.
Genome position (GRCh38, 1-based): chr14:101,987,538, C>G. VCF-style: chr14-101987538-C-G. GRCh37 (hg19) VCF-style: chr14-102453875-C-G.
Other names: short protein forms S875W.
Identifiers: ClinVar variation 1466147 (VCV001466147.8), dbSNP rs184868637, ClinGen allele CA391027346.